The following is an entry in ClinVar:

ClinVar aggregate classification (germline): Benign/Likely benign. Review status: criteria provided, multiple submitters, no conflicts (2 of 4 stars). 3 submissions from 3 submitters: Benign (1); Likely benign (2). Last evaluated 2024-07-02.

Conditions:
Hereditary cancer-predisposing syndrome. Also called: Hereditary Cancer Syndrome; Hereditary neoplastic syndrome; Neoplastic Syndromes, Hereditary; Tumor predisposition. Identifiers: Orphanet 140162, MedGen C0027672, MeSH D009386, MONDO:0015356.
Oligodontia-cancer predisposition syndrome. Also called: TOOTH AGENESIS-COLORECTAL CANCER SYNDROME. Identifiers: Orphanet 300576, MedGen C1837750, MONDO:0012075, OMIM 608615. Disease mechanism: loss of function.

Submissions (3):

Myriad Genetics, Inc.
Classification: Benign for Oligodontia-cancer predisposition syndrome. Last evaluated: 2024-07-02. Review status: criteria provided, single submitter. Criteria: Myriad Autosomal Dominant, Autosomal Recessive and X-Linked Classification Criteria (2023). Collection method: clinical testing. Allele origin: unknown.
Comment: This variant is considered benign. This variant is a silent/synonymous amino acid change and it is not expected to impact splicing.

Labcorp Genetics (formerly Invitae), Labcorp
Classification: Likely benign for Oligodontia-cancer predisposition syndrome. Last evaluated: 2023-11-12. Review status: criteria provided, single submitter. Criteria: Invitae Variant Classification Sherloc (09022015). Collection method: clinical testing. Allele origin: germline.

Ambry Genetics
Classification: Likely benign for Hereditary cancer-predisposing syndrome. Last evaluated: 2021-11-16. Review status: criteria provided, single submitter. Criteria: Ambry Variant Classification Scheme 2023. Collection method: clinical testing. Allele origin: germline.

NM_004655.4(AXIN2):c.1278G>A (p.Leu426=)

Gene: AXIN2 (axin 2; minus strand). Cytogenetic location: 17q24.1.
Variant type: single nucleotide variant.
Coding change: c.1278G>A on transcript NM_004655.4 (MANE Select); coding-DNA position 1278, G replaced by A.
Protein change: p.Leu426=; no amino-acid change (leucine 426 retained).
Molecular consequence: synonymous variant.
Genome position (GRCh38, 1-based): chr17:65,537,758, C>T on the plus strand (G>A on the coding strand, the complement: AXIN2 is on the minus strand). VCF-style: chr17-65537758-C-T. GRCh37 (hg19) VCF-style: chr17-63533876-C-T.
Other names: c.1278G>A, p.Leu426= (NM_001363813.1).
Identifiers: ClinVar variation 1767115 (VCV001767115.6), dbSNP rs2144466921, ClinGen allele CA501691315.